The following is an entry in ClinVar:

GRCh38/hg38 3p22.1(chr3:41318043-41768729)x1

Genes: ULK4 (unc-51 like kinase 4; minus strand), LOC126806660 (CDK7 strongly-dependent group 2 enhancer GRCh37_chr3:41549167-41550366; plus strand). Cytogenetic location: 3p22.1.
Variant type: copy number loss.
Change: copy number 1 (one copy instead of two) of chr3:41,318,043-41,768,729 (450.7 kb, GRCh38 coordinates, 1-based), cytogenetic band 3p22.1.
Identifiers: ClinVar variation 4890994 (VCV004890994.1).

ClinVar aggregate classification (germline): Uncertain significance (1 of 4 stars; one submission).

Submission:

Clinical Genomics Laboratory, Laboratory for Precision Diagnostics, University of Washington
Classification: Uncertain significance. Last evaluated: 2023-08-31. Review status: criteria provided, single submitter. Criteria: ACMG/ClinGen CNV Guidelines, 2019. Collection method: clinical testing. Allele origin: unknown. Affected: yes. Observed: 1 variant allele.